The following is an entry in ClinVar:

NM_005245.4(FAT1):c.13441C>T (p.Arg4481Trp)

Genes: FAT1 (FAT atypical cadherin 1; minus strand), LOC126807253 (BRD4-independent group 4 enhancer GRCh37_chr4:187509297-187510496; plus strand). Cytogenetic location: 4q35.2.
Variant type: single nucleotide variant.
Coding change: c.13441C>T on transcript NM_005245.4 (MANE Select); coding-DNA position 13441, C replaced by T.
Protein change: p.Arg4481Trp; replaces arginine 4481 with tryptophan.
Molecular consequence: missense variant.
Genome position (GRCh38, 1-based): chr4:186,588,918, G>A on the plus strand (C>T on the coding strand, the complement: FAT1 is on the minus strand). VCF-style: chr4-186588918-G-A. GRCh37 (hg19) VCF-style: chr4-187510072-G-A.
Other names: short protein forms R4481W.
Identifiers: ClinVar variation 714991 (VCV000714991.11), dbSNP rs35485176, ClinGen allele CA3164532.
Genomic context (GRCh38, chr4:186,588,918, plus strand): 5'-GTTCAGACATATCGAGGGGATAAAAATTGGGCAAATACTGATTCAAGTTGAACCTCTGCC[G>A]GTTTCTTGATGAAGAACCCAAGCTACCCGCGGCAGGCATGTCTCTAGGAGGGTGGATGGA-3'
Protein context (NP_005236.2, residues 4471-4491): AGSLGSSSRN[Arg4481Trp]QRFNLNQYLP

ClinVar aggregate classification (germline): Likely benign. Review status: criteria provided, single submitter (1 of 4 stars). 2 submissions from 2 submitters: Likely benign (1). 1 of the submissions does not count toward it. Last evaluated 2026-01-27.

Conditions:
FAT1-related disorder. Also called: FAT1-related condition.

Allele frequency attached by ClinVar (database versions not stated): gnomAD exomes 0.00047; ExAC 0.00054; 1000 Genomes Project 0.00080; 1000 Genomes Project 30x 0.00125; gnomAD 0.00162 and 0.00176; TOPMed 0.00175; ESP Exome Variant Server 0.00176.
gnomAD v4.1: 495 of 1,613,904 alleles (0.031%); highest among the groups gnomAD compares: African/African-American, 0.5%; 3 homozygotes.

Submissions (2):

Labcorp Genetics (formerly Invitae), Labcorp
Classification: Likely benign. Last evaluated: 2026-01-27. Review status: criteria provided, single submitter. Criteria: Invitae Variant Classification Sherloc (09022015). Collection method: clinical testing. Allele origin: germline.

PreventionGenetics, part of Exact Sciences
Classification: Likely benign for FAT1-related condition. Last evaluated: 2020-12-16. Review status: no assertion criteria provided. Collection method: clinical testing. Allele origin: germline. Not counted in ClinVar's aggregate classification.
Comment: This variant is classified as likely benign based on ACMG/AMP sequence variant interpretation guidelines (Richards et al. 2015 PMID: 25741868, with internal and published modifications).